The following is an entry in ClinVar:

NM_004415.4(DSP):c.5404A>G (p.Lys1802Glu)

Gene: DSP (desmoplakin; plus strand). Cytogenetic location: 6p24.3.
Variant type: single nucleotide variant.
Coding change: c.5404A>G on transcript NM_004415.4 (MANE Select); coding-DNA position 5404, A replaced by G.
Protein change: p.Lys1802Glu; replaces lysine 1802 with glutamic acid.
Molecular consequence: missense variant.
Genome position (GRCh38, 1-based): chr6:7,582,666, A>G. VCF-style: chr6-7582666-A-G. GRCh37 (hg19) VCF-style: chr6-7582899-A-G.
Other names: c.3607A>G, p.Lys1203Glu (NM_001008844.3); c.4075A>G, p.Lys1359Glu (NM_001319034.2); short protein forms K1359E, K1203E, K1802E.
Identifiers: ClinVar variation 4794985 (VCV004794985.1).

ClinVar aggregate classification (germline): Uncertain significance (1 of 4 stars; one submission).

Conditions:
Arrhythmogenic right ventricular dysplasia 8 (ARVD8). Also called: Arrhythmogenic Right Ventricular Dysplasia/Cardiomyopathy 8; ARRHYTHMOGENIC RIGHT VENTRICULAR DYSPLASIA, FAMILIAL, 8; ARRHYTHMOGENIC RIGHT VENTRICULAR CARDIOMYOPATHY 8. Identifiers: MedGen C1843896, MONDO:0011831, OMIM 607450.
Arrhythmogenic cardiomyopathy with wooly hair and keratoderma. Also called: PALMOPLANTAR KERATODERMA WITH LEFT VENTRICULAR CARDIOMYOPATHY AND WOOLLY HAIR; Dilated cardiomyopathy with woolly hair and keratoderma; Arrhythmogenic cardiomyopathy with woolly hair and keratoderma; Carvajal syndrome. Identifiers: Orphanet 65282, MedGen C1854063, MONDO:0011581, OMIM 605676.

Submission:

Labcorp Genetics (formerly Invitae), Labcorp
Classification: Uncertain significance for Arrhythmogenic cardiomyopathy with wooly hair and keratoderma; Arrhythmogenic right ventricular dysplasia 8. Last evaluated: 2025-05-14. Review status: criteria provided, single submitter. Criteria: Invitae Variant Classification Sherloc (09022015). Collection method: clinical testing. Allele origin: germline.
Comment: This sequence change replaces lysine, which is basic and polar, with glutamic acid, which is acidic and polar, at codon 1802 of the DSP protein (p.Lys1802Glu). This variant is not present in population databases (gnomAD no frequency). This variant has not been reported in the literature in individuals affected with DSP-related conditions. An algorithm developed to predict the effect of missense changes on protein structure and function (PolyPhen-2) suggests that this variant is likely to be tolerated. In summary, the available evidence is currently insufficient to determine the role of this variant in disease. Therefore, it has been classified as a Variant of Uncertain Significance.